The following is an entry in ClinVar:

NM_032634.4(PIGO):c.1109A>G (p.Asn370Ser)

Gene: PIGO (phosphatidylinositol glycan anchor biosynthesis class O; minus strand). Cytogenetic location: 9p13.3.
Variant type: single nucleotide variant.
Coding change: c.1109A>G on transcript NM_032634.4 (MANE Select); coding-DNA position 1109, A replaced by G.
Protein change: p.Asn370Ser; replaces asparagine 370 with serine.
Molecular consequence: missense variant.
Genome position (GRCh38, 1-based): chr9:35,093,040, T>C on the plus strand (A>G on the coding strand, the complement: PIGO is on the minus strand). VCF-style: chr9-35093040-T-C. GRCh37 (hg19) VCF-style: chr9-35093037-T-C.
Other names: c.1109A>G, p.Asn370Ser (NM_001201484.2, NM_152850.4); short protein forms N370S.
Identifiers: ClinVar variation 1067428 (VCV001067428.9), dbSNP rs1214104267, ClinGen allele CA373322802.

ClinVar aggregate classification (germline): Likely pathogenic (1 of 4 stars; one submission).

Conditions:
Hyperphosphatasia with impaired intellectual development syndrome 2. Also called: Hyperphosphatasia with intellectual disability syndrome 2; GLYCOSYLPHOSPHATIDYLINOSITOL BIOSYNTHESIS DEFECT 6. Identifiers: Orphanet 247262, MedGen C3553637, MONDO:0013882, OMIM 614749.

Allele frequency attached by ClinVar (database versions not stated): TOPMed 0.00001; gnomAD exomes 0.00002 and 0.00001; gnomAD 0.00001.

Submission:

Labcorp Genetics (formerly Invitae), Labcorp
Classification: Likely pathogenic for Hyperphosphatasia with impaired intellectual development syndrome 2. Last evaluated: 2020-04-20. Review status: criteria provided, single submitter. Criteria: Invitae Variant Classification Sherloc (09022015). Collection method: clinical testing. Allele origin: germline.
Comment: This sequence change replaces asparagine with serine at codon 370 of the PIGO protein (p.Asn370Ser). The asparagine residue is highly conserved and there is a small physicochemical difference between asparagine and serine. This variant is not present in population databases (ExAC no frequency). This variant has been observed in individual(s) with phosphatidylinositol glycan anchor biosynthesis class O (PIGO) deficiency (PMID: 28337824). This variant has been reported to affect PIGO protein function (PMID: 28337824). Algorithms developed to predict the effect of sequence changes on RNA splicing suggest that this variant may create or strengthen a splice site, but this prediction has not been confirmed by published transcriptional studies. In summary, the currently available evidence indicates that the variant is pathogenic, but additional data are needed to prove that conclusively. Therefore, this variant has been classified as Likely Pathogenic.

Literature cited by the submitters: PubMed 28337824.